The following is an entry in ClinVar:

ClinVar aggregate classification (germline): Uncertain significance. Review status: criteria provided, multiple submitters, no conflicts (2 of 4 stars). 2 submissions from 2 submitters: Uncertain significance (2). Last evaluated 2025-08-23.

Allele frequency attached by ClinVar (database versions not stated): gnomAD exomes 0.00001.
gnomAD v4.1: 8 of 1,613,038 alleles (0.0005%); highest among the groups gnomAD compares: African/African-American, 0.0013%; no homozygotes.

Submissions (2):

Ambry Genetics
Classification: Uncertain significance. Last evaluated: 2025-08-23. Review status: criteria provided, single submitter. Criteria: Ambry Variant Classification Scheme 2023. Collection method: clinical testing. Allele origin: germline.

Labcorp Genetics (formerly Invitae), Labcorp
Classification: Uncertain significance. Last evaluated: 2025-05-30. Review status: criteria provided, single submitter. Criteria: Invitae Variant Classification Sherloc (09022015). Collection method: clinical testing. Allele origin: germline.
Comment: This sequence change replaces glutamic acid, which is acidic and polar, with aspartic acid, which is acidic and polar, at codon 430 of the LZTS1 protein (p.Glu430Asp). This variant is present in population databases (rs199825033, gnomAD 0.0009%). This variant has not been reported in the literature in individuals affected with LZTS1-related conditions. ClinVar contains an entry for this variant (Variation ID: 2847602). Invitae Evidence Modeling of protein sequence and biophysical properties (such as structural, functional, and spatial information, amino acid conservation, physicochemical variation, residue mobility, and thermodynamic stability) indicates that this missense variant is not expected to disrupt LZTS1 protein function with a negative predictive value of 80%. In summary, the available evidence is currently insufficient to determine the role of this variant in disease. Therefore, it has been classified as a Variant of Uncertain Significance.

NM_021020.5(LZTS1):c.1290G>C (p.Glu430Asp)

Gene: LZTS1 (leucine zipper tumor suppressor 1; minus strand). Cytogenetic location: 8p21.3.
Variant type: single nucleotide variant.
Coding change: c.1290G>C on transcript NM_021020.5 (MANE Select); coding-DNA position 1290, G replaced by C.
Protein change: p.Glu430Asp; replaces glutamic acid 430 with aspartic acid.
Molecular consequence: missense variant.
Genome position (GRCh38, 1-based): chr8:20,250,223, C>G on the plus strand (G>C on the coding strand, the complement: LZTS1 is on the minus strand). VCF-style: chr8-20250223-C-G. GRCh37 (hg19) VCF-style: chr8-20107734-C-G.
Other names: c.1290G>C, p.Glu430Asp (NM_001362884.2); c.1290G>C (NM_021020.2); short protein forms E430D.
Identifiers: ClinVar variation 2847602 (VCV002847602.4), dbSNP rs199825033, ClinGen allele CA173399126.